The following is an entry in ClinVar:

NM_170682.4(P2RX2):c.221C>G (p.Pro74Arg)

Gene: P2RX2 (purinergic receptor P2X 2; plus strand). Cytogenetic location: 12q24.33.
Variant type: single nucleotide variant.
Coding change: c.221C>G on transcript NM_170682.4 (MANE Select); coding-DNA position 221, C replaced by G.
Protein change: p.Pro74Arg; replaces proline 74 with arginine.
Molecular consequence: missense variant. On other transcripts: synonymous variant (1), intron variant (1).
Genome position (GRCh38, 1-based): chr12:132,619,486, C>G. VCF-style: chr12-132619486-C-G. GRCh37 (hg19) VCF-style: chr12-133196072-C-G.
Other names: c.221C>G, p.Pro74Arg (NM_001282164.2, NM_001282165.2, NM_016318.4 and 2 more transcripts); c.153C>G, p.Pro51= (NM_012226.5); c.106-358C>G (NM_174872.3); short protein forms P74R.
Identifiers: ClinVar variation 1310160 (VCV001310160.2), dbSNP rs2041544044, ClinGen allele CA387357546.

ClinVar aggregate classification (germline): Uncertain significance (1 of 4 stars; one submission).

gnomAD v4.1: 1 of 1,612,748 alleles (0.000062%); no homozygotes.

Submission:

GeneDx
Classification: Uncertain significance. Last evaluated: 2019-11-14. Review status: criteria provided, single submitter. Criteria: GeneDx Variant Classification Process June 2021. Collection method: clinical testing. Allele origin: germline. Affected: yes.
Comment: Not observed in large population cohorts (Lek et al., 2016); In silico analysis, which includes protein predictors and evolutionary conservation, supports a deleterious effect; Has not been previously published as pathogenic or benign to our knowledge